The following is an entry in ClinVar:

NM_000081.4(LYST):c.7774A>T (p.Ile2592Phe)

Gene: LYST (lysosomal trafficking regulator; minus strand). Cytogenetic location: 1q42.3.
Variant type: single nucleotide variant.
Coding change: c.7774A>T on transcript NM_000081.4 (MANE Select); coding-DNA position 7774, A replaced by T.
Protein change: p.Ile2592Phe; replaces isoleucine 2592 with phenylalanine.
Molecular consequence: missense variant.
Genome position (GRCh38, 1-based): chr1:235,751,216, T>A on the plus strand (A>T on the coding strand, the complement: LYST is on the minus strand). VCF-style: chr1-235751216-T-A. GRCh37 (hg19) VCF-style: chr1-235914516-T-A.
Other names: c.7774A>T, p.Ile2592Phe (NM_001301365.1); short protein forms I2592F.
Identifiers: ClinVar variation 2047785 (VCV002047785.4), dbSNP rs768190475, ClinGen allele CA344929253.
Genomic context (GRCh38, chr1:235,751,216, plus strand): 5'-GAAAGTCAAGCTAGCCTCAATTTATGGTTATTAAAATATGATTTCAATACTCGCCAGCAA[T>A]GCTTTTCCGCTTTTGAACTACTGCATGATGGGGAGCAGAAGGTGACTGGAGTGAATCTGT-3'
Protein context (NP_000072.2, residues 2582-2602): HHAVVQKRKS[Ile2592Phe]AGPRKFPLAQ

ClinVar aggregate classification (germline): Uncertain significance (1 of 4 stars; one submission).

Conditions:
Chédiak-Higashi syndrome (CHS). Also called: Chediak-Higashi Syndrome. Identifiers: Orphanet 167, MedGen C0007965, MONDO:0008963, OMIM 214500.

Submission:

Labcorp Genetics (formerly Invitae), Labcorp
Classification: Uncertain significance for Chédiak-Higashi syndrome. Last evaluated: 2022-09-07. Review status: criteria provided, single submitter. Criteria: Invitae Variant Classification Sherloc (09022015). Collection method: clinical testing. Allele origin: germline.
Comment: This sequence change replaces isoleucine, which is neutral and non-polar, with phenylalanine, which is neutral and non-polar, at codon 2592 of the LYST protein (p.Ile2592Phe). This variant is not present in population databases (gnomAD no frequency). This variant has not been reported in the literature in individuals affected with LYST-related conditions. Algorithms developed to predict the effect of missense changes on protein structure and function are either unavailable or do not agree on the potential impact of this missense change (SIFT: "Deleterious"; PolyPhen-2: "Benign"; Align-GVGD: "Class C0"). In summary, the available evidence is currently insufficient to determine the role of this variant in disease. Therefore, it has been classified as a Variant of Uncertain Significance.